The following is an entry in ClinVar:

NM_001106.4(ACVR2B):c.1252A>C (p.Ile418Leu)

Gene: ACVR2B (activin A receptor type 2B; plus strand). Cytogenetic location: 3p22.2.
Variant type: single nucleotide variant.
Coding change: c.1252A>C on transcript NM_001106.4 (MANE Select); coding-DNA position 1252, A replaced by C.
Protein change: p.Ile418Leu; replaces isoleucine 418 with leucine.
Molecular consequence: missense variant.
Genome position (GRCh38, 1-based): chr3:38,482,468, A>C. VCF-style: chr3-38482468-A-C. GRCh37 (hg19) VCF-style: chr3-38523959-A-C.
Other names: short protein forms I418L.
Identifiers: ClinVar variation 2729958 (VCV002729958.3), dbSNP rs988287106, ClinGen allele CA72926388.

ClinVar aggregate classification (germline): Uncertain significance (1 of 4 stars; one submission).

Conditions:
Heterotaxy, visceral, 4, autosomal (HTX4). Identifiers: Orphanet 450, MedGen C3151057, MONDO:0013403, OMIM 613751.

Allele frequency attached by ClinVar (database versions not stated): TOPMed below 0.00001.
gnomAD v4.1: 4 of 1,612,722 alleles (0.00025%); highest among the groups gnomAD compares: East Asian, 0.0022%; no homozygotes.

Submission:

Labcorp Genetics (formerly Invitae), Labcorp
Classification: Uncertain significance for Heterotaxy, visceral, 4, autosomal. Last evaluated: 2023-11-07. Review status: criteria provided, single submitter. Criteria: Invitae Variant Classification Sherloc (09022015). Collection method: clinical testing. Allele origin: germline.
Comment: This sequence change replaces isoleucine, which is neutral and non-polar, with leucine, which is neutral and non-polar, at codon 418 of the ACVR2B protein (p.Ile418Leu). This variant is present in population databases (no rsID available, gnomAD 0.006%). This variant has not been reported in the literature in individuals affected with ACVR2B-related conditions. Advanced modeling of protein sequence and biophysical properties (such as structural, functional, and spatial information, amino acid conservation, physicochemical variation, residue mobility, and thermodynamic stability) performed at Invitae indicates that this missense variant is not expected to disrupt ACVR2B protein function with a negative predictive value of 95%. In summary, the available evidence is currently insufficient to determine the role of this variant in disease. Therefore, it has been classified as a Variant of Uncertain Significance.